The following is an entry in ClinVar:

ClinVar aggregate classification (germline): Uncertain significance (1 of 4 stars; one submission).

Conditions:
Tuberous sclerosis 1 (TSC1). Identifiers: Orphanet 805, MedGen C1854465, MONDO:0008612, OMIM 191100.

Submission:

Labcorp Genetics (formerly Invitae), Labcorp
Classification: Uncertain significance for Tuberous sclerosis 1. Last evaluated: 2016-06-24. Review status: criteria provided, single submitter. Criteria: Invitae Variant Classification Sherloc (09022015). Collection method: clinical testing. Allele origin: germline.
Comment: In summary, this variant is a novel missense change with uncertain impact on protein function. It has been classified as a Variant of Uncertain Significance. Algorithms developed to predict the effect of missense changes on protein structure and function do not agree on the potential impact of this missense change (SIFT: "Deleterious"; PolyPhen-2: "Possibly Damaging"; Align-GVGD: "Class C0"). This variant is not present in population databases (ExAC no frequency) and has not been reported in the literature in individuals with a TSC1-related disease. This sequence change replaces leucine with valine at codon 129 of the TSC1 protein (p.Leu129Val). The leucine residue is highly conserved and there is a small physicochemical difference between leucine and valine.

NM_000368.5(TSC1):c.385C>G (p.Leu129Val)

Gene: TSC1 (TSC complex subunit 1; minus strand). Cytogenetic location: 9q34.13.
Variant type: single nucleotide variant.
Coding change: c.385C>G on transcript NM_000368.5 (MANE Select); coding-DNA position 385, C replaced by G.
Protein change: p.Leu129Val; replaces leucine 129 with valine.
Molecular consequence: missense variant.
Genome position (GRCh38, 1-based): chr9:132,923,471, G>C on the plus strand (C>G on the coding strand, the complement: TSC1 is on the minus strand). VCF-style: chr9-132923471-G-C. GRCh37 (hg19) VCF-style: chr9-135798858-G-C.
Other names: c.385C>G, p.Leu129Val (NM_001162426.2); c.232C>G, p.Leu78Val (NM_001162427.2); c.22C>G, p.Leu8Val (NM_001362177.2); short protein forms L129V, L78V, L8V.
Identifiers: ClinVar variation 411219 (VCV000411219.8), dbSNP rs1060503198, ClinGen allele CA16612789.